The following is an entry in ClinVar:

ClinVar aggregate classification (germline): Uncertain significance (1 of 4 stars; one submission).

Conditions:
Harel-Yoon syndrome (HAYOS). Also called: Optic atrophy-peripheral neuropathy-developmental delay syndrome. Identifiers: Orphanet 496790, MedGen C4310677, MONDO:0014958, OMIM 617183.

Submission:

Department of Human Genetics, Hannover Medical School
Classification: Uncertain significance for Harel-Yoon syndrome. Last evaluated: 2022-08-25. Review status: criteria provided, single submitter. Criteria: ACMG Guidelines, 2015. Collection method: clinical testing. Allele origin: germline. Affected: yes.
Comment: The variant is not yet known in the ClinVar and LOVD variant databases or in the literature. It is also not listed in the population database gnomAD. This missense variant affects an evolutionarily moderately conserved amino acid. The physicochemical difference between the original (proline) and the newly evolved amino acid (leucine) is moderate. An in silico analysis regarding the clinical relevance of the change did not yield a clear result.

NM_001170535.3(ATAD3A):c.155C>T (p.Pro52Leu)

Gene: ATAD3A (ATPase family AAA domain containing 3A; plus strand). Cytogenetic location: 1p36.33.
Variant type: single nucleotide variant.
Coding change: c.155C>T on transcript NM_001170535.3 (MANE Select); coding-DNA position 155, C replaced by T.
Protein change: p.Pro52Leu; replaces proline 52 with leucine.
Molecular consequence: missense variant.
Genome position (GRCh38, 1-based): chr1:1,512,423, C>T. VCF-style: chr1-1512423-C-T. GRCh37 (hg19) VCF-style: chr1-1447803-C-T.
Other names: c.155C>T, p.Pro52Leu (NM_018188.5); short protein forms P52L.
Identifiers: ClinVar variation 1702951 (VCV001702951.1), dbSNP rs2100637798, ClinGen allele CA337846506.